The following is an entry in ClinVar:

NM_198576.4(AGRN):c.3635C>T (p.Thr1212Ile)

Gene: AGRN (agrin; plus strand). Cytogenetic location: 1p36.33.
Variant type: single nucleotide variant.
Coding change: c.3635C>T on transcript NM_198576.4 (MANE Select); coding-DNA position 3635, C replaced by T.
Protein change: p.Thr1212Ile; replaces threonine 1212 with isoleucine.
Molecular consequence: missense variant.
Genome position (GRCh38, 1-based): chr1:1,047,779, C>T. VCF-style: chr1-1047779-C-T. GRCh37 (hg19) VCF-style: chr1-983159-C-T.
Other names: c.3635C>T, p.Thr1212Ile (NM_001305275.2); c.3320C>T, p.Thr1107Ile (NM_001364727.2); short protein forms T1107I, T1212I.
Identifiers: ClinVar variation 1525085 (VCV001525085.8), dbSNP rs1470278093, ClinGen allele CA337851150.

ClinVar aggregate classification (germline): Uncertain significance (1 of 4 stars; one submission).

Conditions:
Congenital myasthenic syndrome 8. Also called: Myasthenic syndrome, congenital, 8, with pre- and postsynaptic defects; MYASTHENIC SYNDROME, CONGENITAL, DUE TO AGRIN DEFICIENCY. Identifiers: Orphanet 590, MedGen C3808739, MONDO:0014052, OMIM 615120.

Allele frequency attached by ClinVar (database versions not stated): gnomAD exomes below 0.00001 and 0.00001; TOPMed below 0.00001; gnomAD 0.00001.
gnomAD v4.1: 11 of 1,608,258 alleles (0.00068%); highest among the groups gnomAD compares: Middle Eastern, 0.016%; no homozygotes.

Submission:

Labcorp Genetics (formerly Invitae), Labcorp
Classification: Uncertain significance for Congenital myasthenic syndrome 8. Last evaluated: 2021-07-13. Review status: criteria provided, single submitter. Criteria: Invitae Variant Classification Sherloc (09022015). Collection method: clinical testing. Allele origin: germline.
Comment: In summary, the available evidence is currently insufficient to determine the role of this variant in disease. Therefore, it has been classified as a Variant of Uncertain Significance. Algorithms developed to predict the effect of missense changes on protein structure and function are either unavailable or do not agree on the potential impact of this missense change (SIFT: "Deleterious"; PolyPhen-2: "Possibly Damaging"; Align-GVGD: "Class C0"). This variant has not been reported in the literature in individuals affected with AGRN-related conditions. This variant is not present in population databases (ExAC no frequency). This sequence change replaces threonine with isoleucine at codon 1212 of the AGRN protein (p.Thr1212Ile). The threonine residue is highly conserved and there is a moderate physicochemical difference between threonine and isoleucine.